The following is an entry in ClinVar:

ClinVar aggregate classification (germline): other (0 of 4 stars; one submission).

Conditions:
Familial colorectal cancer. Identifiers: MedGen CN280943, MONDO:0023113. Disease mechanism: loss of function.

Submission:

Systems Biology Platform Zhejiang California International NanoSystems Institute
Classification: other for Familial colorectal cancer. Review status: no assertion criteria provided. Collection method: not provided. Allele origin: unknown.
ClinVar note: Converted during submission from cancer to other.

NM_000038.6(APC):c.-18-8447A>T

Gene: APC (APC regulator of WNT signaling pathway; plus strand). Cytogenetic location: 5q22.2.
Variant type: single nucleotide variant.
Coding change: c.-18-8447A>T on transcript NM_000038.6 (MANE Select); 8447 bases into the intron before 18 bases upstream of the start codon, A replaced by T.
Molecular consequence: intron variant.
Genome position (GRCh38, 1-based): chr5:112,746,426, A>T. VCF-style: chr5-112746426-A-T. GRCh37 (hg19) VCF-style: chr5-112082123-A-T.
Other names: c.-18-8447A>T (NM_001354895.2, NM_001354896.2, NM_001354903.2 and 1 more transcripts); c.166-19900A>T (NM_001354897.2, NM_001354902.2, NM_001127511.3); c.-19+7966A>T (NM_001127510.3); c.60+7966A>T (NM_001354898.2, NM_001354904.2); c.-1053-8447A>T (NM_001354906.2); c.-43+8501A>T (NM_001354900.2, NM_001354901.2, NM_001354905.2).
Identifiers: ClinVar variation 82784 (VCV000082784.2), dbSNP rs79175013, ClinGen allele CA006258.